The following is an entry in ClinVar:

ClinVar aggregate classification (germline): Uncertain significance. Review status: criteria provided, multiple submitters, no conflicts (2 of 4 stars). 4 submissions from 4 submitters: Uncertain significance (4). Last evaluated 2026-05-14.

Conditions:
Tuberous sclerosis 2 (TSC2). Identifiers: Orphanet 805, MedGen C1860707, MONDO:0013199, OMIM 613254.
Hereditary cancer-predisposing syndrome. Also called: Tumor predisposition; Neoplastic Syndromes, Hereditary; Hereditary Cancer Syndrome; Hereditary neoplastic syndrome. Identifiers: Orphanet 140162, MedGen C0027672, MeSH D009386, MONDO:0015356.
Tuberous sclerosis syndrome (TSC). Also called: Tuberous Sclerosis Complex; Tuberous sclerosis. Identifiers: Orphanet 805, MedGen C0041341, MONDO:0001734.

gnomAD v4.1: 2 of 1,611,560 alleles (0.00012%); highest among the groups gnomAD compares: Admixed American, 0.0033%; no homozygotes.

Submissions (4):

Ambry Genetics
Classification: Uncertain significance for Hereditary cancer-predisposing syndrome. Last evaluated: 2026-05-14. Review status: criteria provided, single submitter. Criteria: Ambry Variant Classification Scheme 2023. Collection method: clinical testing. Allele origin: germline.
Comment: The p.K1111E variant (also known as c.3331A>G), located in coding exon 28 of the TSC2 gene, results from an A to G substitution at nucleotide position 3331. The lysine at codon 1111 is replaced by glutamic acid, an amino acid with similar properties. This amino acid position is conserved. In addition, this alteration is predicted to be deleterious by in silico analysis. Based on the available evidence, the clinical significance of this variant remains unclear.

Labcorp Genetics (formerly Invitae), Labcorp
Classification: Uncertain significance for Tuberous sclerosis 2. Last evaluated: 2025-10-31. Review status: criteria provided, single submitter. Criteria: Invitae Variant Classification Sherloc (09022015). Collection method: clinical testing. Allele origin: germline.
Comment: This sequence change replaces lysine, which is basic and polar, with glutamic acid, which is acidic and polar, at codon 1111 of the TSC2 protein (p.Lys1111Glu). This variant is not present in population databases (gnomAD no frequency). This variant has not been reported in the literature in individuals affected with TSC2-related conditions. ClinVar contains an entry for this variant (Variation ID: 1449304). Invitae Evidence Modeling of protein sequence and biophysical properties (such as structural, functional, and spatial information, amino acid conservation, physicochemical variation, residue mobility, and thermodynamic stability) indicates that this missense variant is not expected to disrupt TSC2 protein function with a negative predictive value of 95%. In summary, the available evidence is currently insufficient to determine the role of this variant in disease. Therefore, it has been classified as a Variant of Uncertain Significance.

Quest Diagnostics Nichols Institute San Juan Capistrano
Classification: Uncertain significance. Last evaluated: 2024-03-26. Review status: criteria provided, single submitter. Criteria: Quest Diagnostics criteria. Collection method: clinical testing. Allele origin: unknown.

All of Us Research Program, National Institutes of Health
Classification: Uncertain significance for Tuberous sclerosis syndrome. Last evaluated: 2024-03-24. Review status: criteria provided, single submitter. Criteria: ACMG Guidelines, 2015. Collection method: clinical testing. Allele origin: germline. Inheritance: Autosomal dominant inheritance. Observed: 1 variant allele, 1 heterozygote.
Comment: This missense variant replaces lysine with glutamic acid at codon 1111 of the TSC2 protein. Computational prediction is inconclusive regarding the impact of this variant on protein structure and function (internally defined REVEL score threshold 0.5 < inconclusive < 0.7, PMID: 27666373). To our knowledge, functional studies have not been reported for this variant. This variant has not been reported in individuals affected with TSC2-related disorders in the literature. This variant has not been identified in the general population by the Genome Aggregation Database (gnomAD). The available evidence is insufficient to determine the role of this variant in disease conclusively. Therefore, this variant is classified as a Variant of Uncertain Significance.

This study involves interpretation of variants in research participants for the purpose of population health screening. Participant phenotype was not available at the time of variant classification. Additional details can be found in publication PMID: 35346344, PMCID: PMC8962531

NM_000548.5(TSC2):c.3331A>G (p.Lys1111Glu)

Gene: TSC2 (TSC complex subunit 2; plus strand). Cytogenetic location: 16p13.3.
Variant type: single nucleotide variant.
Coding change: c.3331A>G on transcript NM_000548.5 (MANE Select); coding-DNA position 3331, A replaced by G.
Protein change: p.Lys1111Glu; replaces lysine 1111 with glutamic acid.
Molecular consequence: missense variant.
Genome position (GRCh38, 1-based): chr16:2,079,603, A>G. VCF-style: chr16-2079603-A-G. GRCh37 (hg19) VCF-style: chr16-2129604-A-G.
Other names: c.3331A>G (NM_000548.3); c.3199A>G, p.Lys1067Glu (NM_001077183.3, NM_001370404.1); c.3331A>G, p.Lys1111Glu (NM_001114382.3); c.3091A>G, p.Lys1031Glu (NM_001318827.2); c.3055A>G, p.Lys1019Glu (NM_001318829.2); c.2599A>G, p.Lys867Glu (NM_001318831.2); c.3232A>G, p.Lys1078Glu (NM_001318832.2); c.3202A>G, p.Lys1068Glu (NM_001363528.2, NM_001370405.1, NM_021055.3); short protein forms K1067E, K1068E, K867E, K1031E, K1078E, K1111E, K1019E.
Identifiers: ClinVar variation 1449304 (VCV001449304.11), dbSNP rs2151445646, ClinGen allele CA394286605.
Genomic context (GRCh38, chr16:2,079,603, plus strand): 5'-GATTCTCTTCTCAGCTCCAGCCCCGGGGTGCATGTGAGACAGACCAAGGAGGCGCCGGCC[A>G]AGCTGGAGTCCCAGGCTGGGCAGCAGGTGTCCCGTGGGGCCCGGGATCGGGTCCGTTCCA-3'
Protein context (NP_000539.2, residues 1101-1121): HVRQTKEAPA[Lys1111Glu]LESQAGQQVS